The following is an entry in ClinVar:

ClinVar aggregate classification (germline): Likely benign. Review status: reviewed by expert panel (3 of 4 stars). 2 submissions from 2 submitters: Likely benign (1). 1 of the submissions does not count toward it. Last evaluated 2024-11-04.

Conditions:
Hereditary thrombocytopenia and hematologic cancer predisposition syndrome. Identifiers: Orphanet 71290, MedGen CN281654, MONDO:0011071.
Hereditary thrombocytopenia and hematological cancer predisposition syndrome associated with RUNX1. Also called: RUNX1 Familial Platelet Disorder with Associated Myeloid Malignancies; Familial Platelet Disorder with Propensity to Acute Myelogenous Leukemia; Familial thrombocytopenia with propensity to acute myelogenous leukemia; PLATELET DISORDER, ASPIRIN-LIKE. Identifiers: Orphanet 71290, MedGen C1832388, MeSH C563324, MONDO:0100083, OMIM 601399.

Allele frequency attached by ClinVar (database versions not stated): gnomAD exomes 0.00001 and 0.00002; ExAC 0.00004.
gnomAD v4.1: 10 of 1,609,006 alleles (0.00062%); highest among the groups gnomAD compares: South Asian, 0.0099%; no homozygotes.

Submissions (2):

ClinGen Myeloid Malignancy Variant Curation Expert Panel
Classification: Likely benign for Hereditary thrombocytopenia and hematologic cancer predisposition syndrome. Last evaluated: 2024-11-04. Review status: reviewed by expert panel. Criteria: ClinGen MyeloMalig ACMG Specifications v2. Collection method: curation. Allele origin: germline. Inheritance: Autosomal dominant inheritance.
Comment: NM_001754.5(RUNX1):c.614-6C>T is an intronic variant which has a SpliceAI score ≤ 0.20 (0.0) (BP4). This variant has a SpliceAI score ≤ 0.20 (0.0) and evolutionary conservation prediction algorithms predict the site as not being conserved (PhyloP score ≤ 2.0 (1.77) (BP7). This variant is completely absent from all population databases with at least 20x coverage for RUNX1 (PM2_Supporting). In summary, this variant meets criteria to be classified as likely benign. ACMG/AMP criteria applied, as specified by the Myeloid Malignancy Variant Curation Expert Panel for RUNX1: BP4, BP7, PM2_supporting.

Labcorp Genetics (formerly Invitae), Labcorp
Classification: Likely benign for Hereditary thrombocytopenia and hematological cancer predisposition syndrome associated with RUNX1. Last evaluated: 2023-07-31. Review status: criteria provided, single submitter. Criteria: Invitae Variant Classification Sherloc (09022015). Collection method: clinical testing. Allele origin: germline. Not counted in ClinVar's aggregate classification.

NM_001754.5(RUNX1):c.614-6C>T

Gene: RUNX1 (RUNX family transcription factor 1; minus strand). Cytogenetic location: 21q22.12.
Variant type: single nucleotide variant.
Coding change: c.614-6C>T on transcript NM_001754.5 (MANE Select); 6 bases into the intron before coding-DNA position 614, C replaced by T.
Molecular consequence: intron variant.
Genome position (GRCh38, 1-based): chr21:34,834,607, G>A on the plus strand (C>T on the coding strand, the complement: RUNX1 is on the minus strand). VCF-style: chr21-34834607-G-A. GRCh37 (hg19) VCF-style: chr21-36206904-G-A.
Other names: c.533-6C>T (NM_001001890.3, NM_001122607.2).
Identifiers: ClinVar variation 1590054 (VCV001590054.9), dbSNP rs529667191, ClinGen allele CA10014393.